The following is an entry in ClinVar:

ClinVar aggregate classification (germline): Benign. Review status: criteria provided, multiple submitters, no conflicts (2 of 4 stars). 8 submissions from 8 submitters: Benign (7). 1 of the submissions does not count toward it. Last evaluated 2026-02-01.

Conditions:
Inborn genetic diseases. Identifiers: MedGen C0950123, MeSH D030342.
Hereditary spastic paraplegia 30. Identifiers: Orphanet 101010, MedGen C5235139, MONDO:0012476.
Neuropathy, hereditary sensory, type 2C. Also called: Hereditary sensory and autonomic neuropathy type IIC; KIF1A-Related HSAN2 (HSAN2C). Identifiers: Orphanet 970, MedGen C3280168, MONDO:0013634, OMIM 614213.
Intellectual disability, autosomal dominant 9 (NESCAVS). Also called: NESCAV SYNDROME; KIF1A-Related Neurodevelopmental Disorder. Identifiers: Orphanet 662367, MedGen C5393830, MONDO:0013656, OMIM 614255.

Allele frequency attached by ClinVar (database versions not stated): gnomAD exomes 0.00181 and 0.00478; ExAC 0.00621; ESP Exome Variant Server 0.01733; gnomAD 0.01840 and 0.01973; TOPMed 0.02086; 1000 Genomes Project 0.02676; 1000 Genomes Project 30x 0.02889.
gnomAD v4.1: 5,549 of 1,613,378 alleles (0.34%); highest among the groups gnomAD compares: African/African-American, 6.3%; 164 homozygotes.

Submissions (8):

Labcorp Genetics (formerly Invitae), Labcorp
Classification: Benign for Hereditary spastic paraplegia 30; Neuropathy, hereditary sensory, type 2C; Intellectual disability, autosomal dominant 9. Last evaluated: 2026-02-01. Review status: criteria provided, single submitter. Criteria: Invitae Variant Classification Sherloc (09022015). Collection method: clinical testing. Allele origin: germline.

ARUP Laboratories, Molecular Genetics and Genomics, ARUP Laboratories
Classification: Benign. Last evaluated: 2025-04-08. Review status: criteria provided, single submitter. Criteria: ARUP Molecular Germline Variant Investigation Process 2024. Collection method: clinical testing. Allele origin: germline.

Illumina Laboratory Services, Illumina
Classification: Benign for Spastic paraplegia 30A, autosomal dominant. Last evaluated: 2018-01-12. Review status: criteria provided, single submitter. Criteria: ICSL Variant Classification Criteria 13 December 2019. Collection method: clinical testing. Allele origin: germline.
Comment: This variant was observed in the ICSL laboratory as part of a predisposition screen in an ostensibly healthy population. It had not been previously curated by ICSL or reported in the Human Gene Mutation Database (HGMD: prior to June 1st, 2018), and was therefore a candidate for classification through an automated scoring system. Utilizing variant allele frequency, disease prevalence and penetrance estimates, and inheritance mode, an automated score was calculated to assess if this variant is too frequent to cause the disease. Based on the score and internal cut-off values, a variant classified as benign is not then subjected to further curation. The score for this variant resulted in a classification of benign for this disease.

Ambry Genetics
Classification: Benign for Inborn genetic diseases. Last evaluated: 2016-07-05. Review status: criteria provided, single submitter. Criteria: Ambry Variant Classification Scheme 2023. Collection method: clinical testing. Allele origin: germline.

Mayo Clinic Laboratories, Mayo Clinic
Classification: Benign. Last evaluated: 2016-03-03. Review status: criteria provided, single submitter. Criteria: ACMG Guidelines, 2015. Collection method: clinical testing. Allele origin: germline. Observed: 9 variant alleles.

GeneDx
Classification: Benign. Last evaluated: 2015-12-08. Review status: criteria provided, single submitter. Criteria: GeneDx Variant Classification (06012015). Collection method: clinical testing. Allele origin: germline. Affected: yes.
Comment: This variant is considered likely benign or benign based on one or more of the following criteria: it is a conservative change, it occurs at a poorly conserved position in the protein, it is predicted to be benign by multiple in silico algorithms, and/or has population frequency not consistent with disease.

Breakthrough Genomics
Classification: Benign. Review status: criteria provided, single submitter. Criteria: ACMG Guidelines, 2015. Collection method: not provided. Allele origin: germline. Inheritance: Autosomal recessive inheritance. Affected: yes.

Genetic Services Laboratory, University of Chicago
Classification: Likely benign for AllHighlyPenetrant. Review status: no assertion criteria provided. Collection method: clinical testing. Allele origin: germline. Not counted in ClinVar's aggregate classification.
Comment: Likely benign based on allele frequency in 1000 Genomes Project or ESP global frequency and its presence in a patient with a rare or unrelated disease phenotype. NOT Sanger confirmed.

NM_001244008.2(KIF1A):c.393C>T (p.Asn131=)

Gene: KIF1A (kinesin family member 1A; minus strand). Cytogenetic location: 2q37.3.
Variant type: single nucleotide variant.
Coding change: c.393C>T on transcript NM_001244008.2 (MANE Select); coding-DNA position 393, C replaced by T.
Protein change: p.Asn131=; no amino-acid change (asparagine 131 retained).
Molecular consequence: synonymous variant.
Genome position (GRCh38, 1-based): chr2:240,787,287, G>A on the plus strand (C>T on the coding strand, the complement: KIF1A is on the minus strand). VCF-style: chr2-240787287-G-A. GRCh37 (hg19) VCF-style: chr2-241726704-G-A.
Other names: p.Asn131=; c.393C>T, p.Asn131= (NM_001320705.2, NM_001330289.2, NM_001330290.2 and 20 more transcripts); c.393C>T (NM_004321.7).
Identifiers: ClinVar variation 129392 (VCV000129392.34), dbSNP rs35139906, ClinGen allele CA153370.